The following is an entry in ClinVar:

ClinVar aggregate classification (germline): Conflicting classifications of pathogenicity. Review status: criteria provided, conflicting classifications (1 of 4 stars). 6 submissions from 6 submitters: Uncertain significance (1); Likely benign (3). 2 of the submissions do not count toward it. Last evaluated 2026-01-01.

Conditions:
Cardiovascular phenotype. Identifiers: MedGen CN230736.
Autosomal recessive limb-girdle muscular dystrophy type 2J (LGMDR10). Also called: Limb-girdle muscular dystrophy, type 2J; MUSCULAR DYSTROPHY, LIMB-GIRDLE, AUTOSOMAL RECESSIVE 10. Identifiers: Orphanet 140922, MedGen C1837342, MONDO:0012127, OMIM 608807.
Dilated cardiomyopathy 1G (CMD1G). Identifiers: Orphanet 154, MedGen C1858763, MONDO:0011400, OMIM 604145.

Allele frequency attached by ClinVar (database versions not stated): ExAC 0.00001; gnomAD 0.00001 and 0.00002; gnomAD exomes 0.00001; TOPMed 0.00003; 1000 Genomes Project 30x 0.00016; 1000 Genomes Project 0.00020.
gnomAD v4.1: 23 of 1,612,986 alleles (0.0014%); highest among the groups gnomAD compares: Middle Eastern, 0.017%; no homozygotes.

Submissions (6):

CeGaT Center for Human Genetics Tuebingen
Classification: Likely benign. Last evaluated: 2026-01-01. Review status: criteria provided, single submitter. Criteria: CeGaT Center For Human Genetics Tuebingen Variant Classification Criteria Version 2. Collection method: clinical testing. Allele origin: germline. Affected: yes. Observed: 2 variant alleles.
Comment: TTN: BP4, BP7

Labcorp Genetics (formerly Invitae), Labcorp
Classification: Likely benign for Dilated cardiomyopathy 1G; Autosomal recessive limb-girdle muscular dystrophy type 2J. Last evaluated: 2025-11-09. Review status: criteria provided, single submitter. Criteria: Invitae Variant Classification Sherloc (09022015). Collection method: clinical testing. Allele origin: germline.

Ambry Genetics
Classification: Likely benign for Cardiovascular phenotype. Last evaluated: 2021-02-23. Review status: criteria provided, single submitter. Criteria: Ambry Variant Classification Scheme 2023. Collection method: clinical testing. Allele origin: germline.

Eurofins Ntd Llc (ga)
Classification: Uncertain significance. Last evaluated: 2016-12-13. Review status: criteria provided, single submitter. Criteria: EGL Classification Definitions 2015. Collection method: clinical testing. Allele origin: germline. Observed: 2 variant alleles, 2 heterozygotes.

Clinical Genetics, Academic Medical Center
Classification: Benign. Review status: no assertion criteria provided. Collection method: clinical testing. Allele origin: germline. Affected: yes. Study: VKGL Data-share Consensus. Not counted in ClinVar's aggregate classification.

Joint Genome Diagnostic Labs from Nijmegen and Maastricht, Radboudumc and MUMC+
Classification: Likely benign. Review status: no assertion criteria provided. Collection method: clinical testing. Allele origin: germline. Affected: yes. Study: VKGL Data-share Consensus. Not counted in ClinVar's aggregate classification.

NM_001267550.2(TTN):c.60342C>T (p.Thr20114=)

Genes: TTN (titin; minus strand), TTN-AS1 (TTN antisense RNA 1; plus strand). Cytogenetic location: 2q31.2.
Variant type: single nucleotide variant.
Coding change: c.60342C>T on transcript NM_001267550.2 (MANE Select); coding-DNA position 60342, C replaced by T.
Protein change: p.Thr20114=; no amino-acid change (threonine 20114 retained).
Molecular consequence: synonymous variant.
Genome position (GRCh38, 1-based): chr2:178,591,383, G>A on the plus strand (C>T on the coding strand, the complement: TTN is on the minus strand). VCF-style: chr2-178591383-G-A. GRCh37 (hg19) VCF-style: chr2-179456110-G-A.
Other names: c.55419C>T, p.Thr18473= (NM_001256850.1); c.33147C>T, p.Thr11049= (NM_003319.4); c.52638C>T, p.Thr17546= (NM_133378.4); c.33522C>T, p.Thr11174= (NM_133432.3); c.33723C>T, p.Thr11241= (NM_133437.4).
Identifiers: ClinVar variation 195918 (VCV000195918.45), dbSNP rs529529087, ClinGen allele CA242602.